The following is an entry in ClinVar:

ClinVar aggregate classification (germline): Uncertain significance. Review status: criteria provided, multiple submitters, no conflicts (2 of 4 stars). 2 submissions from 2 submitters: Uncertain significance (2). Last evaluated 2025-03-19.

gnomAD v4.1: 59 of 1,614,000 alleles (0.0037%); highest among the groups gnomAD compares: African/African-American, 0.075%; no homozygotes.

Submissions (2):

GeneDx
Classification: Uncertain significance. Last evaluated: 2025-03-19. Review status: criteria provided, single submitter. Criteria: GeneDx Variant Classification Process June 2021. Collection method: clinical testing. Allele origin: germline.
Comment: Identified as a risk allele for schizophrenia in the published literature, however, patient level data was not provided (PMID: 36125369); In silico analysis indicates that this missense variant does not alter protein structure/function; This variant is associated with the following publications: (PMID: 36125369)

Dasa
Classification: Uncertain significance. Last evaluated: 2025-01-13. Review status: criteria provided, single submitter. Criteria: DASA Assertion Criteria. Collection method: clinical testing. Allele origin: germline.
Comment: NM_003922.4(HERC1):c.13549G>C (p.Val4517Leu) is a missense variant that results in the substitution of valine with leucine. This variant is rare in population databases. The currently available literature and clinical evidence are not sufficient to establish a definitive association between this variant and the reported condition. Therefore, this variant is classified as a variant of uncertain significance.

NM_003922.4(HERC1):c.13549G>C (p.Val4517Leu)

Gene: HERC1 (HECT and RLD domain containing E3 ubiquitin protein ligase family member 1; minus strand). Cytogenetic location: 15q22.31.
Variant type: single nucleotide variant.
Coding change: c.13549G>C on transcript NM_003922.4 (MANE Select); coding-DNA position 13549, G replaced by C.
Protein change: p.Val4517Leu; replaces valine 4517 with leucine.
Molecular consequence: missense variant.
Genome position (GRCh38, 1-based): chr15:63,623,787, C>G on the plus strand (G>C on the coding strand, the complement: HERC1 is on the minus strand). VCF-style: chr15-63623787-C-G. GRCh37 (hg19) VCF-style: chr15-63915986-C-G.
Other names: short protein forms V4517L.
Identifiers: ClinVar variation 3603035 (VCV003603035.4).